The following is an entry in ClinVar:

ClinVar aggregate classification (germline): Uncertain significance (1 of 4 stars; one submission).

Allele frequency attached by ClinVar (database versions not stated): gnomAD exomes below 0.00001.
gnomAD v4.1: 3 of 1,612,256 alleles (0.00019%); highest among the groups gnomAD compares: Non-Finnish European, 0.00017%; no homozygotes.

Submission:

Labcorp Genetics (formerly Invitae), Labcorp
Classification: Uncertain significance. Last evaluated: 2022-04-24. Review status: criteria provided, single submitter. Criteria: Invitae Variant Classification Sherloc (09022015). Collection method: clinical testing. Allele origin: germline.
Comment: In summary, the available evidence is currently insufficient to determine the role of this variant in disease. Therefore, it has been classified as a Variant of Uncertain Significance. Algorithms developed to predict the effect of missense changes on protein structure and function are either unavailable or do not agree on the potential impact of this missense change (SIFT: "Deleterious"; PolyPhen-2: "Benign"; Align-GVGD: "Class C0"). This variant has not been reported in the literature in individuals affected with C2-related conditions. This variant is not present in population databases (gnomAD no frequency). This sequence change replaces asparagine, which is neutral and polar, with histidine, which is basic and polar, at codon 712 of the C2 protein (p.Asn712His).

NM_000063.6(C2):c.2134A>C (p.Asn712His)

Gene: C2 (complement C2; plus strand). Cytogenetic location: 6p21.33.
Variant type: single nucleotide variant.
Coding change: c.2134A>C on transcript NM_000063.6 (MANE Select); coding-DNA position 2134, A replaced by C.
Protein change: p.Asn712His; replaces asparagine 712 with histidine.
Molecular consequence: missense variant.
Genome position (GRCh38, 1-based): chr6:31,945,232, A>C. VCF-style: chr6-31945232-A-C. GRCh37 (hg19) VCF-style: chr6-31913009-A-C.
Other names: c.1738A>C, p.Asn580His (NM_001145903.3); c.1492A>C, p.Asn498His (NM_001178063.3); c.1396A>C, p.Asn466His (NM_001282457.2); c.2047A>C, p.Asn683His (NM_001282458.2); short protein forms N683H, N498H, N580H, N712H, N466H.
Identifiers: ClinVar variation 1962973 (VCV001962973.5), dbSNP rs2482651946, ClinGen allele CA363385143.